The following is an entry in ClinVar:

ClinVar aggregate classification (germline): Uncertain significance (1 of 4 stars; one submission).

Submission:

GeneDx
Classification: Uncertain significance. Last evaluated: 2026-03-19. Review status: criteria provided, single submitter. Criteria: GeneDx Variant Classification Process June 2021. Collection method: clinical testing. Allele origin: germline.
Comment: Not observed at significant frequency in large population cohorts (gnomAD); In silico analysis supports that this missense variant has a deleterious effect on protein structure/function; Has not been previously published as pathogenic or benign to our knowledge

NM_014633.5(CTR9):c.31C>G (p.Arg11Gly)

Gene: CTR9 (CTR9 component of Paf1/RNA polymerase II complex; plus strand). Cytogenetic location: 11p15.4.
Variant type: single nucleotide variant.
Coding change: c.31C>G on transcript NM_014633.5 (MANE Select); coding-DNA position 31, C replaced by G.
Protein change: p.Arg11Gly; replaces arginine 11 with glycine.
Molecular consequence: missense variant.
Genome position (GRCh38, 1-based): chr11:10,751,443, C>G. VCF-style: chr11-10751443-C-G. GRCh37 (hg19) VCF-style: chr11-10772990-C-G.
Other names: c.31C>G, p.Arg11Gly (NM_001346279.2); short protein forms R11G.
Identifiers: ClinVar variation 5009520 (VCV005009520.1).